The following is an entry in ClinVar:

ClinVar aggregate classification (germline): Likely benign. Review status: criteria provided, single submitter (1 of 4 stars). 2 submissions from 2 submitters: Likely benign (1). 1 of the submissions does not count toward it. Last evaluated 2023-04-17.

Conditions:
Hypogonadotropic hypogonadism 2 with or without anosmia (HH2). Also called: HYPOGONADOTROPIC HYPOGONADISM 2 WITHOUT ANOSMIA; FGFR1-Related GnRH Deficiency (Kallmann Syndrome 2); HYPOGONADOTROPIC HYPOGONADISM 2 WITH OR WITHOUT ANOSMIA, SUSCEPTIBILITY TO; HYPOGONADOTROPIC HYPOGONADISM 2 WITHOUT ANOSMIA, SUSCEPTIBILITY TO. Identifiers: Orphanet 478, MedGen C1563720, MONDO:0007844, OMIM 147950. Disease mechanism: loss of function.
Pfeiffer syndrome (ACS5). Also called: ACS V. Identifiers: Orphanet 710, MedGen C0220658, MONDO:0007043, OMIM 101600.
FGFR1-related disorder. Also called: FGFR1-related condition; FGFR1-related disorders. Identifiers: MedGen CN380097.

Allele frequency attached by ClinVar (database versions not stated): gnomAD 0.00001; ExAC 0.00002.
gnomAD v4.1: 20 of 1,613,946 alleles (0.0012%); highest among the groups gnomAD compares: Middle Eastern, 0.033%; no homozygotes.

Submissions (2):

Labcorp Genetics (formerly Invitae), Labcorp
Classification: Likely benign for Pfeiffer syndrome; Hypogonadotropic hypogonadism 2 with or without anosmia. Last evaluated: 2023-04-17. Review status: criteria provided, single submitter. Criteria: Invitae Variant Classification Sherloc (09022015). Collection method: clinical testing. Allele origin: germline.

PreventionGenetics, part of Exact Sciences
Classification: Likely benign for FGFR1-related condition. Last evaluated: 2019-02-23. Review status: no assertion criteria provided. Collection method: clinical testing. Allele origin: germline. Not counted in ClinVar's aggregate classification.
Comment: This variant is classified as likely benign based on ACMG/AMP sequence variant interpretation guidelines (Richards et al. 2015 PMID: 25741868, with internal and published modifications).

NM_023110.3(FGFR1):c.1113G>A (p.Ser371=)

Gene: FGFR1 (fibroblast growth factor receptor 1; minus strand). Cytogenetic location: 8p11.23.
Variant type: single nucleotide variant.
Coding change: c.1113G>A on transcript NM_023110.3 (MANE Select); coding-DNA position 1113, G replaced by A.
Protein change: p.Ser371=; no amino-acid change (serine 371 retained).
Molecular consequence: synonymous variant.
Genome position (GRCh38, 1-based): chr8:38,419,704, C>T on the plus strand (G>A on the coding strand, the complement: FGFR1 is on the minus strand). VCF-style: chr8-38419704-C-T. GRCh37 (hg19) VCF-style: chr8-38277222-C-T.
Other names: c.1113G>A, p.Ser371= (NM_000604.2, NM_001174063.2); c.1089G>A, p.Ser363= (NM_001174064.2); c.1107G>A, p.Ser369= (NM_001174065.2, NM_001354367.2, NM_001354369.2 and 2 more transcripts); c.846G>A, p.Ser282= (NM_001174066.2, NM_023105.3); c.1206G>A, p.Ser402= (NM_001174067.2); c.840G>A, p.Ser280= (NM_001354368.2, NM_001354370.2, NM_023106.3).
Identifiers: ClinVar variation 2922555 (VCV002922555.5), dbSNP rs763302356, ClinGen allele CA4718473.
Genomic context (GRCh38, chr8:38,419,704, plus strand): 5'-CACCATGCAGGAGATGAGGAAGGCCCCTGTGCAATAGATGATGATCTCCAGGTACAGGGG[C>T]GAGGTCATCACTGCCGGCCTCTCTTCCAGGGCTGAGTCAGTGCGAACAGGGTGTTAGCAG-3'
Protein context (NP_075598.2, residues 361-381): ALEERPAVMT[Ser371=]PLYLEIIIYC